The following is an entry in ClinVar:

ClinVar aggregate classification (germline): Uncertain significance (1 of 4 stars; one submission).

Conditions:
Thrombocytopenia 2 (THC2). Also called: ANKRD26-Related Thrombocytopenia. Identifiers: Orphanet 268322, MedGen C1861185, MONDO:0008555, OMIM 188000.

Submission:

St. Jude Molecular Pathology, St. Jude Children's Research Hospital
Classification: Uncertain significance for Thrombocytopenia 2. Last evaluated: 2026-02-11. Review status: criteria provided, single submitter. Criteria: St. Jude Assertion Criteria 2020. Collection method: clinical testing. Allele origin: germline.
Comment: The ANKRD26 c.713A>G p.(Asp238Gly) missense change is absent in gnomAD v2.1.1. This variant is not located in the 5Ã¢ € ™ UTR. The in silico tool REVEL predicts a ben ign effect on protein function, but to our knowledge this prediction has not been confirmed by functional studies. To our knowledge, this variant has not been reported in the literature in individuals with ANKRD26-related thrombocytopenia. In summary, th e evidence currently available is insufficient to determine the clinical significance of this variant. It has therefore been classified as of uncertain significance.

NM_014915.3(ANKRD26):c.713A>G (p.Asp238Gly)

Gene: ANKRD26 (ankyrin repeat domain 26; minus strand). Cytogenetic location: 10p12.1.
Variant type: single nucleotide variant.
Coding change: c.713A>G on transcript NM_014915.3 (MANE Select); coding-DNA position 713, A replaced by G.
Protein change: p.Asp238Gly; replaces aspartic acid 238 with glycine.
Molecular consequence: missense variant.
Genome position (GRCh38, 1-based): chr10:27,082,830, T>C on the plus strand (A>G on the coding strand, the complement: ANKRD26 is on the minus strand). VCF-style: chr10-27082830-T-C. GRCh37 (hg19) VCF-style: chr10-27371759-T-C.
Other names: c.713A>G, p.Asp238Gly (NM_001256053.2); short protein forms D238G.
Identifiers: ClinVar variation 4813155 (VCV004813155.1).